The following is an entry in ClinVar:

NM_001330195.2(NRXN3):c.378T>C (p.Asp126=)

Gene: NRXN3 (neurexin 3; plus strand). Cytogenetic location: 14q24.3.
Variant type: single nucleotide variant.
Coding change: c.378T>C on transcript NM_001330195.2 (MANE Select); coding-DNA position 378, T replaced by C.
Protein change: p.Asp126=; no amino-acid change (aspartic acid 126 retained).
Molecular consequence: synonymous variant. On other transcripts: non-coding transcript variant (4).
Genome position (GRCh38, 1-based): chr14:78,243,471, T>C. VCF-style: chr14-78243471-T-C. GRCh37 (hg19) VCF-style: chr14-78709814-T-C.
Other names: c.378T>C, p.Asp126= (NM_001366425.1, NM_001366426.1).
Identifiers: ClinVar variation 674092 (VCV000674092.4), dbSNP rs1882821, ClinGen allele CA7291323.
Genomic context (GRCh38, chr14:78,243,471, plus strand): 5'-CAGCAGCTGGCACTTCCTCATGGTGAGCCGTGACCGCCTGCGCACGGTGCTGATGCTTGA[T>C]GGCGAGGGCCAGTCTGGGGAGCTGCAGCCCCAGCGGCCCTACATGGATGTGGTCAGTGAC-3'
Protein context (NP_001317124.1, residues 116-136): RDRLRTVLML[Asp126=]GEGQSGELQP

ClinVar aggregate classification (germline): Benign. Review status: criteria provided, multiple submitters, no conflicts (2 of 4 stars). 2 submissions from 2 submitters: Benign (2). Last evaluated 2018-06-19.

Allele frequency attached by ClinVar (database versions not stated): 1000 Genomes Project 30x 0.14038; gnomAD 0.17460 and 0.17254; gnomAD exomes 0.21561 and 0.19533; 1000 Genomes Project 0.13858; ESP Exome Variant Server 0.17086; ExAC 0.27646; TOPMed 0.16842.
gnomAD v4.1: 334,626 of 1,583,006 alleles (21%); highest among the groups gnomAD compares: Middle Eastern, 25%; 36,913 homozygotes.

Submissions (2):

GeneDx
Classification: Benign. Last evaluated: 2018-06-19. Review status: criteria provided, single submitter. Criteria: GeneDx Variant Classification (06012015). Collection method: clinical testing. Allele origin: germline. Affected: yes.
Comment: This variant is considered likely benign or benign based on one or more of the following criteria: it is a conservative change, it occurs at a poorly conserved position in the protein, it is predicted to be benign by multiple in silico algorithms, and/or has population frequency not consistent with disease.

Breakthrough Genomics
Classification: Benign. Review status: criteria provided, single submitter. Criteria: ACMG Guidelines, 2015. Collection method: not provided. Allele origin: germline. Inheritance: Unknown mechanism. Affected: yes.